The following is an entry in ClinVar:

NM_000747.3(CHRNB1):c.281A>G (p.Glu94Gly)

Gene: CHRNB1 (cholinergic receptor nicotinic beta 1 subunit; plus strand). Cytogenetic location: 17p13.1.
Variant type: single nucleotide variant.
Coding change: c.281A>G on transcript NM_000747.3 (MANE Select); coding-DNA position 281, A replaced by G.
Protein change: p.Glu94Gly; replaces glutamic acid 94 with glycine.
Molecular consequence: missense variant.
Genome position (GRCh38, 1-based): chr17:7,446,870, A>G. VCF-style: chr17-7446870-A-G. GRCh37 (hg19) VCF-style: chr17-7350189-A-G.
Other names: short protein forms E94G.
Identifiers: ClinVar variation 3492571 (VCV003492571.3).

ClinVar aggregate classification (germline): Uncertain significance. Review status: criteria provided, multiple submitters, no conflicts (2 of 4 stars). 2 submissions from 2 submitters: Uncertain significance (2). Last evaluated 2024-10-11.

Conditions:
Congenital myasthenic syndrome 2A. Also called: Myasthenic syndrome, congenital, 2a, slow-channel. Identifiers: Orphanet 590, MedGen C4225374, MONDO:0014581, OMIM 616313.
Inborn genetic diseases. Identifiers: MedGen C0950123, MeSH D030342.

Submissions (2):

Labcorp Genetics (formerly Invitae), Labcorp
Classification: Uncertain significance for Congenital myasthenic syndrome 2A. Last evaluated: 2024-10-11. Review status: criteria provided, single submitter. Criteria: Invitae Variant Classification Sherloc (09022015). Collection method: clinical testing. Allele origin: germline.
Comment: This sequence change replaces glutamic acid, which is acidic and polar, with glycine, which is neutral and non-polar, at codon 94 of the CHRNB1 protein (p.Glu94Gly). This variant is present in population databases (rs373764198, gnomAD 0.0009%). This variant has not been reported in the literature in individuals affected with CHRNB1-related conditions. Invitae Evidence Modeling of protein sequence and biophysical properties (such as structural, functional, and spatial information, amino acid conservation, physicochemical variation, residue mobility, and thermodynamic stability) indicates that this missense variant is not expected to disrupt CHRNB1 protein function with a negative predictive value of 80%. In summary, the available evidence is currently insufficient to determine the role of this variant in disease. Therefore, it has been classified as a Variant of Uncertain Significance.

Ambry Genetics
Classification: Uncertain significance for Inborn genetic diseases. Last evaluated: 2024-08-27. Review status: criteria provided, single submitter. Criteria: Ambry Variant Classification Scheme 2023. Collection method: clinical testing. Allele origin: germline.